The following is an entry in ClinVar:

NM_004006.3(DMD):c.2866CAG[1] (p.Gln957del)

Gene: DMD (dystrophin; minus strand). Cytogenetic location: Xp21.1.
Variant type: Microsatellite.
Coding change: c.2866CAG[1] on transcript NM_004006.3 (MANE Select); one copy of the 3-base unit CAG starting at c.2866; the reference has two copies in a row; one copy, 3 bases deleted.
Protein change: p.Gln957del; deletes glutamine 957.
Molecular consequence: inframe deletion.
Genome position (GRCh38, 1-based): chrX:32,472,242-32,472,244, CTG deleted on the plus strand (CAG on the coding strand, the reverse complement: DMD is on the minus strand); deleting any 3 consecutive bases within chrX:32,472,242-32,472,247 gives the same sequence; the position shown is the placement nearest the transcript's 3' end. VCF-style (leftmost placement, unchanged base first): chrX-32472241-ACTG-A. GRCh37 (hg19) VCF-style: chrX-32490358-ACTG-A.
Other names: c.2842CAG[1], p.Gln949del (NM_000109.4); c.2854CAG[1], p.Gln953del (NM_004009.3); c.2497CAG[1], p.Gln834del (NM_004010.3); short protein forms Q834del, Q949del, Q953del, Q957del.
Identifiers: ClinVar variation 1008446 (VCV001008446.9), dbSNP rs2040725090, ClinGen allele CA2422819452.
Genomic context (GRCh38, chrX:32,472,241, plus strand): 5'-TCTGCTCCATGATTTCATAGTCGGTGACACTAAGTTGAGGTATGGAGAGTTTGGTTTCTG[ACTG>A]CTGGACCCATGTCCTGATGGCACTCATGGTCTCCTGATAGCGCATTGGTGGCAAAGTGTC-3'

ClinVar aggregate classification (germline): Uncertain significance (1 of 4 stars; one submission).

Conditions:
Duchenne muscular dystrophy (DMD). Also called: MUSCULAR DYSTROPHY, PSEUDOHYPERTROPHIC PROGRESSIVE, DUCHENNE TYPE; Duchenne Muscular Dystrophy (DMD). Identifiers: Orphanet 98896, MedGen C0013264, MONDO:0010679, OMIM 310200.

Submission:

Labcorp Genetics (formerly Invitae), Labcorp
Classification: Uncertain significance for Duchenne muscular dystrophy. Last evaluated: 2020-02-12. Review status: criteria provided, single submitter. Criteria: Invitae Variant Classification Sherloc (09022015). Collection method: clinical testing. Allele origin: germline.
Comment: Experimental studies and prediction algorithms are not available for this variant, and the functional significance of the deleted amino acid is currently unknown. This variant, c.2869_2871delCAG, results in the deletion of 1 amino acid of the DMD protein (p.Gln957del), but otherwise preserves the integrity of the reading frame. This variant is not present in population databases (ExAC no frequency). This variant has not been reported in the literature in individuals with DMD-related disease. In summary, the available evidence is currently insufficient to determine the role of this variant in disease. Therefore, it has been classified as a Variant of Uncertain Significance.